The following is an entry in ClinVar:

NM_015443.4(KANSL1):c.1533+101G>C

Gene: KANSL1 (KAT8 regulatory NSL complex subunit 1). Cytogenetic location: 17q21.31.
Variant type: single nucleotide variant.
Coding change: c.1533+101G>C on transcript NM_015443.4 (MANE Select); 101 bases into the intron after coding-DNA position 1533, G replaced by C.
Molecular consequence: intron variant.
Genome position (GRCh38, 1-based): chr17:46,082,340, C>G on the plus strand (G>C on the coding strand, the complement: KANSL1 is on the minus strand). VCF-style: chr17-46082340-C-G. GRCh37 (hg19) VCF-style: chr17-44159706-C-G.
Other names: c.1533+101G>C (NM_001193465.2, NM_001379198.1, NM_001193466.2).
Identifiers: ClinVar variation 675040 (VCV000675040.2), dbSNP rs16940874, ClinGen allele CA291139275.
Genomic context (GRCh38, chr17:46,082,340, plus strand): 5'-CTATTCAGGAATTCAGATCTTAAAACACCAAAAGTGATAAAAGTAGATACAGTTCCCCTT[C>G]TTCAGCCAATGCAAGGATCCTAGTTACAGAGAAAAAACGGTGTGCCAAGACAACACCCTT-3'

ClinVar aggregate classification (germline): Benign. Review status: criteria provided, multiple submitters, no conflicts (2 of 4 stars). 2 submissions from 2 submitters: Benign (2). Last evaluated 2018-06-14.

Allele frequency attached by ClinVar (database versions not stated): gnomAD exomes 0.01091; 1000 Genomes Project 0.05511; gnomAD 0.05586 and 0.05961; 1000 Genomes Project 30x 0.05731; TOPMed 0.06270.
gnomAD v4.1: 14,538 of 680,610 alleles (2.1%); highest among the groups gnomAD compares: African/African-American, 18%; 1,010 homozygotes.

Submissions (2):

GeneDx
Classification: Benign. Last evaluated: 2018-06-14. Review status: criteria provided, single submitter. Criteria: GeneDx Variant Classification (06012015). Collection method: clinical testing. Allele origin: germline. Affected: yes.
Comment: This variant is considered likely benign or benign based on one or more of the following criteria: it is a conservative change, it occurs at a poorly conserved position in the protein, it is predicted to be benign by multiple in silico algorithms, and/or has population frequency not consistent with disease.

Breakthrough Genomics
Classification: Benign. Review status: criteria provided, single submitter. Criteria: ACMG Guidelines, 2015. Collection method: not provided. Allele origin: germline. Inheritance: Autosomal dominant inheritance. Affected: yes.